The following is an entry in ClinVar:

NM_000138.5(FBN1):c.3124G>C (p.Gly1042Arg)

Gene: FBN1 (fibrillin 1; minus strand). Cytogenetic location: 15q21.1.
Variant type: single nucleotide variant.
Coding change: c.3124G>C on transcript NM_000138.5 (MANE Select); coding-DNA position 3124, G replaced by C.
Protein change: p.Gly1042Arg; replaces glycine 1042 with arginine.
Molecular consequence: missense variant.
Genome position (GRCh38, 1-based): chr15:48,488,452, C>G on the plus strand (G>C on the coding strand, the complement: FBN1 is on the minus strand). VCF-style: chr15-48488452-C-G. GRCh37 (hg19) VCF-style: chr15-48780649-C-G.
Other names: c.3124G>C, p.Gly1042Arg (NM_001406716.1); short protein forms G1042R.
Identifiers: ClinVar variation 3763387 (VCV003763387.2).
Genomic context (GRCh38, chr15:48,488,452, plus strand): 5'-CAAGAGCAAAGCCGCTGTCACACCTGCACTTAAAGCTGCCAATGGTGTTTCTGCACTTGC[C>G]GTGGGTGCAGAGGCTGGGTATCATCTTGCACTCATTGATATCTTCAAGAATAAGAAAATG-3'
Protein context (NP_000129.3, residues 1032-1052): CKMIPSLCTH[Gly1042Arg]KCRNTIGSFK

ClinVar aggregate classification (germline): Likely pathogenic (1 of 4 stars; one submission).

Conditions:
Marfan syndrome (MFS). Also called: MARFAN SYNDROME, TYPE I; Marfan syndrome type 1; Marfan's syndrome; Marfan syndrome, classic; FBN1-Related Marfan Syndrome. Identifiers: Orphanet 284963, Orphanet 558, MedGen C0024796, MONDO:0007947, OMIM 154700.
Familial thoracic aortic aneurysm and aortic dissection (TAAD). Also called: Thoracic aortic aneurysms and dissections. Identifiers: Orphanet 91387, MedGen C4707243, MONDO:0019625.

Submission:

Labcorp Genetics (formerly Invitae), Labcorp
Classification: Likely pathogenic for Marfan syndrome; Familial thoracic aortic aneurysm and aortic dissection. Last evaluated: 2024-11-24. Review status: criteria provided, single submitter. Criteria: Invitae Variant Classification Sherloc (09022015). Collection method: clinical testing. Allele origin: germline.
Comment: This sequence change replaces glycine, which is neutral and non-polar, with arginine, which is basic and polar, at codon 1042 of the FBN1 protein (p.Gly1042Arg). This variant is not present in population databases (gnomAD no frequency). This variant has not been reported in the literature in individuals affected with FBN1-related conditions. Invitae Evidence Modeling of protein sequence and biophysical properties (such as structural, functional, and spatial information, amino acid conservation, physicochemical variation, residue mobility, and thermodynamic stability) indicates that this missense variant is expected to disrupt FBN1 protein function with a positive predictive value of 95%. This variant disrupts the p.Gly1042 amino acid residue in FBN1. Other variant(s) that disrupt this residue have been determined to be pathogenic (PMID: 18435798; internal data). This suggests that this residue is clinically significant, and that variants that disrupt this residue are likely to be disease-causing. In summary, the currently available evidence indicates that the variant is pathogenic, but additional data are needed to prove that conclusively. Therefore, this variant has been classified as Likely Pathogenic.

Literature cited by the submitters: PubMed 18435798.